The following is an entry in ClinVar:

ClinVar aggregate classification (germline): Uncertain significance. Review status: criteria provided, multiple submitters, no conflicts (2 of 4 stars). 2 submissions from 2 submitters: Uncertain significance (2). Last evaluated 2025-07-06.

Conditions:
Ataxia-telangiectasia syndrome (AT). Also called: ATAXIA-TELANGIECTASIA, COMPLEMENTATION GROUP A; ATAXIA-TELANGIECTASIA, FRESNO VARIANT; Ataxia-telangiectasia, complementation group E; Ataxia telangiectasia (A-T); LOUIS-BAR SYNDROME; Cerebello-oculocutaneous telangiectasia. Identifiers: Orphanet 100, MedGen C0004135, MONDO:0008840, OMIM 208900.
Hereditary cancer-predisposing syndrome. Also called: Neoplastic Syndromes, Hereditary; Hereditary Cancer Syndrome; Hereditary neoplastic syndrome; Tumor predisposition. Identifiers: Orphanet 140162, MedGen C0027672, MeSH D009386, MONDO:0015356.

Submissions (2):

Ambry Genetics
Classification: Uncertain significance for Hereditary cancer-predisposing syndrome. Last evaluated: 2025-07-06. Review status: criteria provided, single submitter. Criteria: Ambry Variant Classification Scheme 2023. Collection method: clinical testing. Allele origin: germline.
Comment: The p.K1782E variant (also known as c.5344A>G), located in coding exon 35 of the ATM gene, results from an A to G substitution at nucleotide position 5344. The lysine at codon 1782 is replaced by glutamic acid, an amino acid with similar properties. This amino acid position is not well conserved in available vertebrate species. In addition, this alteration is predicted to be tolerated by in silico analysis. Since supporting evidence is limited at this time, the clinical significance of this alteration remains unclear.

Labcorp Genetics (formerly Invitae), Labcorp
Classification: Uncertain significance for Ataxia-telangiectasia syndrome. Last evaluated: 2024-05-06. Review status: criteria provided, single submitter. Criteria: Invitae Variant Classification Sherloc (09022015). Collection method: clinical testing. Allele origin: germline.
Comment: This sequence change replaces lysine, which is basic and polar, with glutamic acid, which is acidic and polar, at codon 1782 of the ATM protein (p.Lys1782Glu). This variant is not present in population databases (gnomAD no frequency). This variant has not been reported in the literature in individuals affected with ATM-related conditions. ClinVar contains an entry for this variant (Variation ID: 825668). An algorithm developed to predict the effect of missense changes on protein structure and function (PolyPhen-2) suggests that this variant is likely to be tolerated. In summary, the available evidence is currently insufficient to determine the role of this variant in disease. Therefore, it has been classified as a Variant of Uncertain Significance.

NM_000051.4(ATM):c.5344A>G (p.Lys1782Glu)

Gene: ATM (ATM serine/threonine kinase; plus strand). Cytogenetic location: 11q22.3.
Variant type: single nucleotide variant.
Coding change: c.5344A>G on transcript NM_000051.4 (MANE Select); coding-DNA position 5344, A replaced by G.
Protein change: p.Lys1782Glu; replaces lysine 1782 with glutamic acid.
Molecular consequence: missense variant.
Genome position (GRCh38, 1-based): chr11:108,302,877, A>G. VCF-style: chr11-108302877-A-G. GRCh37 (hg19) VCF-style: chr11-108173604-A-G.
Other names: c.5344A>G, p.Lys1782Glu (NM_001351834.2); short protein forms K1782E.
Identifiers: ClinVar variation 825668 (VCV000825668.13), dbSNP rs1591712154, ClinGen allele CA382543176.